The following is an entry in ClinVar:

NM_001375524.1(TRRAP):c.6G>A (p.Ala2=)

Gene: TRRAP (transformation/transcription domain associated protein; plus strand). Cytogenetic location: 7q22.1.
Variant type: single nucleotide variant.
Coding change: c.6G>A on transcript NM_001375524.1 (MANE Select); coding-DNA position 6, G replaced by A.
Protein change: p.Ala2=; no amino-acid change (alanine 2 retained).
Molecular consequence: synonymous variant.
Genome position (GRCh38, 1-based): chr7:98,881,156, G>A. VCF-style: chr7-98881156-G-A. GRCh37 (hg19) VCF-style: chr7-98478779-G-A.
Other names: c.6G>A, p.Ala2= (NM_001244580.2, NM_003496.4); c.6G>A (NM_003496.3).
Identifiers: ClinVar variation 2052555 (VCV002052555.7), dbSNP rs146782965, ClinGen allele CA4359111.

ClinVar aggregate classification (germline): Likely benign. Review status: criteria provided, multiple submitters, no conflicts (2 of 4 stars). 4 submissions from 4 submitters: Likely benign (3). 1 of the submissions does not count toward it. Last evaluated 2025-10-01.

Conditions:
TRRAP-related disorder. Also called: TRRAP-related condition.
Inborn genetic diseases. Identifiers: MedGen C0950123, MeSH D030342.

Allele frequency attached by ClinVar (database versions not stated): ExAC 0.00027; gnomAD 0.00030; TOPMed 0.00031; ESP Exome Variant Server 0.00046.
gnomAD v4.1: 758 of 1,602,890 alleles (0.047%); highest among the groups gnomAD compares: Non-Finnish European, 0.06%; no homozygotes.

Submissions (4):

Labcorp Genetics (formerly Invitae), Labcorp
Classification: Likely benign. Last evaluated: 2025-10-01. Review status: criteria provided, single submitter. Criteria: Invitae Variant Classification Sherloc (09022015). Collection method: clinical testing. Allele origin: germline.

Blueprint Genetics
Classification: Likely benign. Last evaluated: 2024-05-07. Review status: criteria provided, single submitter. Criteria: ACMG Guidelines, 2015. Collection method: clinical testing. Allele origin: germline.

Ambry Genetics
Classification: Likely benign for Inborn genetic diseases. Last evaluated: 2022-06-15. Review status: criteria provided, single submitter. Criteria: Ambry Variant Classification Scheme 2023. Collection method: clinical testing. Allele origin: germline.

PreventionGenetics, part of Exact Sciences
Classification: Likely benign for TRRAP-related condition. Last evaluated: 2024-07-10. Review status: no assertion criteria provided. Collection method: clinical testing. Allele origin: germline. Not counted in ClinVar's aggregate classification.
Comment: This variant is classified as likely benign based on ACMG/AMP sequence variant interpretation guidelines (Richards et al. 2015 PMID: 25741868, with internal and published modifications).